The following is an entry in ClinVar:

ClinVar aggregate classification (germline): Uncertain significance (1 of 4 stars; one submission).

Submission:

GeneDx
Classification: Uncertain significance. Last evaluated: 2026-04-08. Review status: criteria provided, single submitter. Criteria: GeneDx Variant Classification Process June 2021. Collection method: clinical testing. Allele origin: germline.
Comment: Not observed at significant frequency in large population cohorts (gnomAD); In silico analysis supports that this missense variant has a deleterious effect on protein structure/function; Has not been previously published as pathogenic or benign to our knowledge

NM_003128.3(SPTBN1):c.4862C>T (p.Ala1621Val)

Gene: SPTBN1 (spectrin beta, non-erythrocytic 1; plus strand). Cytogenetic location: 2p16.2.
Variant type: single nucleotide variant.
Coding change: c.4862C>T on transcript NM_003128.3 (MANE Select); coding-DNA position 4862, C replaced by T.
Protein change: p.Ala1621Val; replaces alanine 1621 with valine.
Molecular consequence: missense variant.
Genome position (GRCh38, 1-based): chr2:54,646,471, C>T. VCF-style: chr2-54646471-C-T. GRCh37 (hg19) VCF-style: chr2-54873608-C-T.
Other names: c.4823C>T, p.Ala1608Val (NM_178313.3); short protein forms A1608V, A1621V.
Identifiers: ClinVar variation 5018330 (VCV005018330.1).